The following is an entry in ClinVar:

ClinVar aggregate classification (germline): Likely benign. Review status: criteria provided, multiple submitters, no conflicts (2 of 4 stars). 2 submissions from 2 submitters: Likely benign (2). Last evaluated 2026-04-14.

Conditions:
DICER1-related tumor predisposition. Also called: DICER1-related pleuropulmonary blastoma cancer predisposition syndrome; DICER1 syndrome. Identifiers: Orphanet 284343, MedGen C3839822, MONDO:0100216.

Allele frequency attached by ClinVar (database versions not stated): gnomAD exomes below 0.00001.
gnomAD v4.1: 2 of 1,614,022 alleles (0.00012%); highest among the groups gnomAD compares: Middle Eastern, 0.017%; no homozygotes.

Submissions (2):

Myriad Genetics, Inc.
Classification: Likely benign for DICER1-related tumor predisposition. Last evaluated: 2026-04-14. Review status: criteria provided, single submitter. Criteria: Myriad Autosomal Dominant, Autosomal Recessive and X-Linked Classification Criteria (2023). Collection method: clinical testing. Allele origin: unknown.
Comment: This variant is considered likely benign. This variant is intronic and is not expected to impact mRNA splicing.

Labcorp Genetics (formerly Invitae), Labcorp
Classification: Likely benign for DICER1-related tumor predisposition. Last evaluated: 2025-09-08. Review status: criteria provided, single submitter. Criteria: Invitae Variant Classification Sherloc (09022015). Collection method: clinical testing. Allele origin: germline.

NM_177438.3(DICER1):c.5528-8G>C

Gene: DICER1 (dicer 1, ribonuclease III; minus strand). Cytogenetic location: 14q32.13.
Variant type: single nucleotide variant.
Coding change: c.5528-8G>C on transcript NM_177438.3 (MANE Select); 8 bases into the intron before coding-DNA position 5528, G replaced by C.
Molecular consequence: intron variant.
Genome position (GRCh38, 1-based): chr14:95,091,117, C>G on the plus strand (G>C on the coding strand, the complement: DICER1 is on the minus strand). VCF-style: chr14-95091117-C-G. GRCh37 (hg19) VCF-style: chr14-95557454-C-G.
Other names: c.5528-8G>C (NM_001291628.2, NM_030621.4, NM_001271282.3); c.5365-8G>C (NM_001195573.1).
Identifiers: ClinVar variation 543680 (VCV000543680.14), dbSNP rs1555366116, ClinGen allele CA658798247.